The following is an entry in ClinVar:

ClinVar aggregate classification (germline): Uncertain significance (1 of 4 stars; one submission).

gnomAD v4.1: 17 of 882,176 alleles (0.0019%); highest among the groups gnomAD compares: African/African-American, 0.03%; no homozygotes.

Submission:

Labcorp Genetics (formerly Invitae), Labcorp
Classification: Uncertain significance. Last evaluated: 2025-05-18. Review status: criteria provided, single submitter. Criteria: Invitae Variant Classification Sherloc (09022015). Collection method: clinical testing. Allele origin: germline.
Comment: This sequence change replaces alanine, which is neutral and non-polar, with threonine, which is neutral and polar, at codon 819 of the NLGN2 protein (p.Ala819Thr). This variant is present in population databases (no rsID available, gnomAD 0.1%). This variant has not been reported in the literature in individuals affected with NLGN2-related conditions. ClinVar contains an entry for this variant (Variation ID: 3625168). Invitae Evidence Modeling of protein sequence and biophysical properties (such as structural, functional, and spatial information, amino acid conservation, physicochemical variation, residue mobility, and thermodynamic stability) indicates that this missense variant is not expected to disrupt NLGN2 protein function with a negative predictive value of 80%. In summary, the available evidence is currently insufficient to determine the role of this variant in disease. Therefore, it has been classified as a Variant of Uncertain Significance.

NM_020795.4(NLGN2):c.2455G>A (p.Ala819Thr)

Gene: NLGN2 (neuroligin 2; plus strand). Cytogenetic location: 17p13.1.
Variant type: single nucleotide variant.
Coding change: c.2455G>A on transcript NM_020795.4 (MANE Select); coding-DNA position 2455, G replaced by A.
Protein change: p.Ala819Thr; replaces alanine 819 with threonine.
Molecular consequence: missense variant.
Genome position (GRCh38, 1-based): chr17:7,417,746, G>A. VCF-style: chr17-7417746-G-A. GRCh37 (hg19) VCF-style: chr17-7321065-G-A.
Other names: short protein forms A819T.
Identifiers: ClinVar variation 3625168 (VCV003625168.2).